The following is an entry in ClinVar:

ClinVar aggregate classification (germline): Uncertain significance. Review status: criteria provided, single submitter (1 of 4 stars). 2 submissions from 2 submitters: Uncertain significance (1). 1 of the submissions does not count toward it. Last evaluated 2021-09-01.

Conditions:
Granulomatous disease, chronic, autosomal recessive, cytochrome b-negative. Also called: CGD DUE TO DEFICIENCY OF THE ALPHA SUBUNIT OF CYTOCHROME b; CGD, AUTOSOMAL RECESSIVE CYTOCHROME b-NEGATIVE; CYBA DEFICIENCY; GRANULOMATOUS DISEASE, CHRONIC, AUTOSOMAL RECESSIVE, 4; Chronic granulomatous disease, autosomal, due to deficiency of CYBA. Identifiers: Orphanet 379, MedGen C1856255, MONDO:0009308, OMIM 233690.
Chronic granulomatous disease. Identifiers: Orphanet 379, MedGen C0018203, MONDO:0018305.

Allele frequency attached by ClinVar (database versions not stated): TOPMed 0.00003.
gnomAD v4.1: 8 of 1,534,868 alleles (0.00052%); highest among the groups gnomAD compares: African/African-American, 0.0014%; no homozygotes.

Submissions (2):

Labcorp Genetics (formerly Invitae), Labcorp
Classification: Uncertain significance for Granulomatous disease, chronic, autosomal recessive, cytochrome b-negative. Last evaluated: 2021-09-01. Review status: criteria provided, single submitter. Criteria: Invitae Variant Classification Sherloc (09022015). Collection method: clinical testing. Allele origin: germline.
Comment: This sequence change replaces isoleucine with methionine at codon 134 of the CYBA protein (p.Ile134Met). The isoleucine residue is highly conserved and there is a small physicochemical difference between isoleucine and methionine. The frequency data for this variant in the population databases is considered unreliable, as metrics indicate insufficient coverage at this position in the ExAC database. This variant has not been reported in the literature in individuals affected with CYBA-related conditions. Algorithms developed to predict the effect of missense changes on protein structure and function are either unavailable or do not agree on the potential impact of this missense change (SIFT: "Deleterious"; PolyPhen-2: "Probably Damaging"; Align-GVGD: "Class C0"). In summary, the available evidence is currently insufficient to determine the role of this variant in disease. Therefore, it has been classified as a Variant of Uncertain Significance.

Natera, Inc.
Classification: Uncertain significance for Chronic granulomatous disease. Last evaluated: 2020-03-13. Review status: no assertion criteria provided. Collection method: clinical testing. Allele origin: germline. Not counted in ClinVar's aggregate classification.

NM_000101.4(CYBA):c.402C>G (p.Ile134Met)

Gene: CYBA (cytochrome b-245 alpha chain; minus strand). Cytogenetic location: 16q24.2.
Variant type: single nucleotide variant.
Coding change: c.402C>G on transcript NM_000101.4 (MANE Select); coding-DNA position 402, C replaced by G.
Protein change: p.Ile134Met; replaces isoleucine 134 with methionine.
Molecular consequence: missense variant.
Genome position (GRCh38, 1-based): chr16:88,643,539, G>C on the plus strand (C>G on the coding strand, the complement: CYBA is on the minus strand). VCF-style: chr16-88643539-G-C. GRCh37 (hg19) VCF-style: chr16-88709947-G-C.
Other names: short protein forms I134M.
Identifiers: ClinVar variation 967831 (VCV000967831.7), dbSNP rs762995249, ClinGen allele CA397057774.
Genomic context (GRCh38, chr16:88,643,539, plus strand): 5'-GTTGCTGGGCGGCTGCTTGATGGTGCCTCCGATCTGCGGCCGCTCCCGGGGCTTGGGCTC[G>C]ATGGGCGTCCACTGCTCGCCACGCACAGCCGCCTGCGGGGCACTGAAGGGTTGAGCCGCG-3'
Protein context (NP_000092.2, residues 124-144): AAVRGEQWTP[Ile134Met]EPKPRERPQI